The following is an entry in ClinVar:

NM_153026.3(PRICKLE1):c.601G>A (p.Asp201Asn)

Gene: PRICKLE1 (prickle planar cell polarity protein 1; minus strand). Cytogenetic location: 12q12.
Variant type: single nucleotide variant.
Coding change: c.601G>A on transcript NM_153026.3 (MANE Select); coding-DNA position 601, G replaced by A.
Protein change: p.Asp201Asn; replaces aspartic acid 201 with asparagine.
Molecular consequence: missense variant.
Genome position (GRCh38, 1-based): chr12:42,466,368, C>T on the plus strand (G>A on the coding strand, the complement: PRICKLE1 is on the minus strand). VCF-style: chr12-42466368-C-T. GRCh37 (hg19) VCF-style: chr12-42860170-C-T.
Other names: c.601G>A, p.Asp201Asn (NM_001144881.2, NM_001144882.2, NM_001144883.2); short protein forms D201N.
Identifiers: ClinVar variation 840635 (VCV000840635.8), dbSNP rs1300341380, ClinGen allele CA384443604.

ClinVar aggregate classification (germline): Uncertain significance. Review status: criteria provided, multiple submitters, no conflicts (2 of 4 stars). 3 submissions from 3 submitters: Uncertain significance (3). Last evaluated 2025-03-25.

Conditions:
Epilepsy, progressive myoclonic, 1B. Also called: PME. Identifiers: Orphanet 308, MedGen C2676254, MONDO:0012904, OMIM 612437.

Allele frequency attached by ClinVar (database versions not stated): gnomAD exomes 0.00001; TOPMed 0.00002.
gnomAD v4.1: 14 of 1,614,086 alleles (0.00087%); highest among the groups gnomAD compares: East Asian, 0.025%; no homozygotes.

Submissions (3):

Women's Health and Genetics/Laboratory Corporation of America, LabCorp
Classification: Uncertain significance. Last evaluated: 2025-03-25. Review status: criteria provided, single submitter. Criteria: LabCorp Variant Classification Summary - May 2015. Collection method: clinical testing. Allele origin: germline.
Comment: Variant summary: PRICKLE1 c.601G>A (p.Asp201Asn) results in a conservative amino acid change in the encoded protein sequence. Four of five in-silico tools predict a damaging effect of the variant on protein function. The variant allele was found at a frequency of 1.2e-05 in 251342 control chromosomes (gnomAD). The available data on variant occurrences in the general population are insufficient to allow any conclusion about variant significance. c.601G>A has been reported in the literature in individual affected with Progressive myoclonus epilepsy-ataxia syndrome (Hata_2019). These data do not allow any conclusion about variant significance. To our knowledge, no experimental evidence demonstrating an impact on protein function has been reported. The following publication has been ascertained in the context of this evaluation (PMID: 30564977). ClinVar contains an entry for this variant (Variation ID: 840635). Based on the evidence outlined above, the variant was classified as uncertain significance.

Ambry Genetics
Classification: Uncertain significance. Last evaluated: 2022-08-08. Review status: criteria provided, single submitter. Criteria: Ambry Variant Classification Scheme 2023. Collection method: clinical testing. Allele origin: germline.

Labcorp Genetics (formerly Invitae), Labcorp
Classification: Uncertain significance for Epilepsy, progressive myoclonic, 1B. Last evaluated: 2021-08-31. Review status: criteria provided, single submitter. Criteria: Invitae Variant Classification Sherloc (09022015). Collection method: clinical testing. Allele origin: germline.

Literature cited by the submitters: PubMed 30564977 (cited by Women's Health and Genetics/Laboratory Corporation of America, LabCorp and Ambry Genetics).